The following is an entry in ClinVar:

NM_004168.4(SDHA):c.1871A>G (p.Lys624Arg)

Gene: SDHA (succinate dehydrogenase complex flavoprotein subunit A; plus strand). Cytogenetic location: 5p15.33.
Variant type: single nucleotide variant.
Coding change: c.1871A>G on transcript NM_004168.4 (MANE Select); coding-DNA position 1871, A replaced by G.
Protein change: p.Lys624Arg; replaces lysine 624 with arginine.
Molecular consequence: missense variant.
Genome position (GRCh38, 1-based): chr5:254,469, A>G. VCF-style: chr5-254469-A-G. GRCh37 (hg19) VCF-style: chr5-254584-A-G.
Other names: c.1871A>G (NM_004168.2); c.1727A>G, p.Lys576Arg (NM_001294332.2); c.1628A>G, p.Lys543Arg (NM_001330758.2); short protein forms K543R, K576R, K624R.
Identifiers: ClinVar variation 641013 (VCV000641013.10), dbSNP rs1579445190, ClinGen allele CA359002044.
Genomic context (GRCh38, chr5:254,469, plus strand): 5'-ACGATTACTCCAAGCCCATCCAGGGGCAACAGAAGAAGCCCTTTGAGGAGCACTGGAGGA[A>G]GCACACCCTGTCCTATGTGGACGTTGGCACTGGGAAGGTCAGTGTGGAGCTCGTTCTCAC-3'
Protein context (NP_004159.2, residues 614-634): QKKPFEEHWR[Lys624Arg]HTLSYVDVGT

ClinVar aggregate classification (germline): Uncertain significance. Review status: criteria provided, multiple submitters, no conflicts (2 of 4 stars). 2 submissions from 2 submitters: Uncertain significance (2). Last evaluated 2025-05-12.

Conditions:
Mitochondrial complex II deficiency, nuclear type 1. Also called: SUCCINATE CoQ REDUCTASE DEFICIENCY. Identifiers: Orphanet 3208, MedGen C5700310, MONDO:0100294, OMIM 252011.
Pheochromocytoma/paraganglioma syndrome 5. Also called: Paragangliomas 5; SDHA-Related Hereditary Paraganglioma-Pheochromocytoma Syndrome. Identifiers: Orphanet 29072, MedGen C3279992, MONDO:0013602, OMIM 614165.
Hereditary cancer-predisposing syndrome. Also called: Neoplastic Syndromes, Hereditary; Tumor predisposition; Hereditary neoplastic syndrome; Hereditary Cancer Syndrome. Identifiers: Orphanet 140162, MedGen C0027672, MeSH D009386, MONDO:0015356.

Submissions (2):

Ambry Genetics
Classification: Uncertain significance for Hereditary cancer-predisposing syndrome. Last evaluated: 2025-05-12. Review status: criteria provided, single submitter. Criteria: Ambry Variant Classification Scheme 2023. Collection method: clinical testing. Allele origin: germline.
Comment: The p.K624R variant (also known as c.1871A>G), located in coding exon 14 of the SDHA gene, results from an A to G substitution at nucleotide position 1871. The lysine at codon 624 is replaced by arginine, an amino acid with highly similar properties. This amino acid position is highly conserved in available vertebrate species. In addition, the in silico prediction for this alteration is inconclusive. Based on the available evidence, the clinical significance of this variant remains unclear.

Labcorp Genetics (formerly Invitae), Labcorp
Classification: Uncertain significance for Pheochromocytoma/paraganglioma syndrome 5; Mitochondrial complex II deficiency, nuclear type 1. Last evaluated: 2018-10-04. Review status: criteria provided, single submitter. Criteria: Invitae Variant Classification Sherloc (09022015). Collection method: clinical testing. Allele origin: germline.
Comment: In summary, the available evidence is currently insufficient to determine the role of this variant in disease. Therefore, it has been classified as a Variant of Uncertain Significance. Algorithms developed to predict the effect of missense changes on protein structure and function (SIFT, PolyPhen-2, Align-GVGD) all suggest that this variant is likely to be disruptive, but these predictions have not been confirmed by published functional studies and their clinical significance is uncertain. This variant has not been reported in the literature in individuals with SDHA-related disease. This variant is not present in population databases (ExAC no frequency). This sequence change replaces lysine with arginine at codon 624 of the SDHA protein (p.Lys624Arg). The lysine residue is highly conserved and there is a small physicochemical difference between lysine and arginine.